The following is an entry in ClinVar:

NM_001194.4(HCN2):c.343_344inv (p.Glu115Ser)

Gene: HCN2 (hyperpolarization activated cyclic nucleotide gated potassium and sodium channel 2; plus strand). Cytogenetic location: 19p13.3.
Variant type: Inversion.
Coding change: c.343_344inv on transcript NM_001194.4 (MANE Select).
Protein change: p.Glu115Ser; replaces glutamic acid 115 with serine.
Molecular consequence: missense variant.
Genome position: GRCh38 VCF-style: chr19-590288-GA-TC. GRCh37 (hg19) VCF-style: chr19-590288-GA-TC.
Other names: short protein forms E115S.
Identifiers: ClinVar variation 5040730 (VCV005040730.1).

ClinVar aggregate classification (germline): Uncertain significance (1 of 4 stars; one submission).

Submission:

CeGaT Center for Human Genetics Tuebingen
Classification: Uncertain significance. Last evaluated: 2026-08-01. Review status: criteria provided, single submitter. Criteria: CeGaT Center For Human Genetics Tuebingen Variant Classification Criteria Version 2. Collection method: clinical testing. Allele origin: germline. Affected: yes. Observed: 1 variant allele.
Comment: HCN2: PM2